The following is an entry in ClinVar:

ClinVar aggregate classification (germline): Likely pathogenic (1 of 4 stars; one submission).

Conditions:
Dilated cardiomyopathy 1G (CMD1G). Identifiers: Orphanet 154, MedGen C1858763, MONDO:0011400, OMIM 604145.
Autosomal recessive limb-girdle muscular dystrophy type 2J (LGMDR10). Also called: Limb-girdle muscular dystrophy, type 2J; MUSCULAR DYSTROPHY, LIMB-GIRDLE, AUTOSOMAL RECESSIVE 10. Identifiers: Orphanet 140922, MedGen C1837342, MONDO:0012127, OMIM 608807.

Submission:

Labcorp Genetics (formerly Invitae), Labcorp
Classification: Likely pathogenic for Dilated cardiomyopathy 1G; Autosomal recessive limb-girdle muscular dystrophy type 2J. Last evaluated: 2024-07-08. Review status: criteria provided, single submitter. Criteria: Invitae Variant Classification Sherloc (09022015). Collection method: clinical testing. Allele origin: germline.
Comment: This sequence change creates a premature translational stop signal (p.Trp20715*) in the TTN gene. While this is not anticipated to result in nonsense mediated decay, it is expected to create a truncated TTN protein. This variant is not present in population databases (gnomAD no frequency). This variant has not been reported in the literature in individuals affected with TTN-related conditions. This variant is located in the A band of TTN (PMID: 25589632). Truncating variants in this region are significantly overrepresented in patients affected with dilated cardiomyopathy (PMID: 25589632). Truncating variants in this region have also been reported in individuals affected with autosomal recessive centronuclear myopathy (PMID: 23975875). In summary, the currently available evidence indicates that the variant is pathogenic, but additional data are needed to prove that conclusively. Therefore, this variant has been classified as Likely Pathogenic.

Literature cited by the submitters: PubMed 25589632; PubMed 23975875.

NM_001267550.2(TTN):c.62144G>A (p.Trp20715Ter)

Genes: TTN-AS1 (TTN antisense RNA 1; plus strand), TTN (titin; minus strand). Cytogenetic location: 2q31.2.
Variant type: single nucleotide variant.
Coding change: c.62144G>A on transcript NM_001267550.2 (MANE Select); coding-DNA position 62144, G replaced by A.
Protein change: p.Trp20715Ter; replaces tryptophan 20715 with a stop codon.
Molecular consequence: nonsense.
Genome position (GRCh38, 1-based): chr2:178,589,581, C>T on the plus strand (G>A on the coding strand, the complement: TTN is on the minus strand). VCF-style: chr2-178589581-C-T. GRCh37 (hg19) VCF-style: chr2-179454308-C-T.
Other names: c.57221G>A, p.Trp19074Ter (NM_001256850.1); c.34949G>A, p.Trp11650Ter (NM_003319.4); c.54440G>A, p.Trp18147Ter (NM_133378.4); c.35324G>A, p.Trp11775Ter (NM_133432.3); c.35525G>A, p.Trp11842Ter (NM_133437.4); short protein forms W11650*, W11775*, W11842*, W18147*, W19074*, W20715*.
Identifiers: ClinVar variation 3757176 (VCV003757176.2).